The following is an entry in ClinVar:

NM_001378687.1(ATP2C1):c.716C>G (p.Ser239Cys)

Gene: ATP2C1 (ATPase secretory pathway Ca2+ transporting 1; plus strand). Cytogenetic location: 3q22.1.
Variant type: single nucleotide variant.
Coding change: c.716C>G on transcript NM_001378687.1 (MANE Select); coding-DNA position 716, C replaced by G.
Protein change: p.Ser239Cys; replaces serine 239 with cysteine.
Molecular consequence: missense variant.
Genome position (GRCh38, 1-based): chr3:130,955,040, C>G. VCF-style: chr3-130955040-C-G. GRCh37 (hg19) VCF-style: chr3-130673884-C-G.
Other names: c.716C>G, p.Ser239Cys (NM_001001485.3, NM_001001486.2, NM_001001487.2 and 5 more transcripts); c.818C>G, p.Ser273Cys (NM_001199180.2, NM_001199181.3, NM_001378511.1); c.701C>G, p.Ser234Cys (NM_001199182.2); c.668C>G, p.Ser223Cys (NM_001199183.2, NM_001199184.3, NM_001378514.1); short protein forms S223C, S234C, S239C, S273C.
Identifiers: ClinVar variation 5020534 (VCV005020534.1).

ClinVar aggregate classification (germline): Uncertain significance (1 of 4 stars; one submission).

Submission:

Dasa
Classification: Uncertain significance. Last evaluated: 2026-05-19. Review status: criteria provided, single submitter. Criteria: DASA Assertion Criteria. Collection method: clinical testing. Allele origin: germline.
Comment: NM_001378687.1(ATP2C1):c.716C>G (p.Ser239Cys) is a missense variant that results in the substitution of serine with cysteine. This variant is rare in population databases. Computational prediction algorithms are consistent with a deleterious effect. The currently available literature and clinical evidence are not sufficient to establish a definitive association between this variant and the reported condition. Therefore, this variant is classified as a variant of uncertain significance.